The following is an entry in ClinVar:

ClinVar aggregate classification (germline): Uncertain significance (1 of 4 stars; one submission).

gnomAD v4.1: 2 of 1,613,634 alleles (0.00012%); highest among the groups gnomAD compares: East Asian, 0.0045%; no homozygotes.

Submission:

Labcorp Genetics (formerly Invitae), Labcorp
Classification: Uncertain significance. Last evaluated: 2024-03-24. Review status: criteria provided, single submitter. Criteria: Invitae Variant Classification Sherloc (09022015). Collection method: clinical testing. Allele origin: germline.
Comment: This sequence change falls in intron 2 of the DFNA5 gene. It does not directly change the encoded amino acid sequence of the DFNA5 protein. The frequency data for this variant in the population databases is considered unreliable, as metrics indicate poor data quality at this position in the gnomAD database. This variant has not been reported in the literature in individuals affected with DFNA5-related conditions. Algorithms developed to predict the effect of sequence changes on RNA splicing suggest that this variant may disrupt the consensus splice site. In summary, the available evidence is currently insufficient to determine the role of this variant in disease. Therefore, it has been classified as a Variant of Uncertain Significance.

NM_001127453.2(GSDME):c.212-17C>A

Gene: GSDME (gasdermin E; minus strand). Cytogenetic location: 7p15.3.
Variant type: single nucleotide variant.
Coding change: c.212-17C>A on transcript NM_001127453.2 (MANE Select); 17 bases into the intron before coding-DNA position 212, C replaced by A.
Molecular consequence: intron variant.
Genome position (GRCh38, 1-based): chr7:24,744,771, G>T on the plus strand (C>A on the coding strand, the complement: GSDME is on the minus strand). VCF-style: chr7-24744771-G-T. GRCh37 (hg19) VCF-style: chr7-24784390-G-T.
Other names: c.-281-17C>A (NM_001127454.2); c.212-17C>A (NM_004403.3).
Identifiers: ClinVar variation 3647465 (VCV003647465.2).